The following is an entry in ClinVar:

NM_000256.3(MYBPC3):c.2865del (p.Val956fs)

Gene: MYBPC3 (myosin binding protein C3; minus strand). Cytogenetic location: 11p11.2.
Variant type: Deletion.
Coding change: c.2865del on transcript NM_000256.3 (MANE Select); coding-DNA position 2865, one base deleted (T; older notation c.2865delT).
Protein change: p.Val956fs; shifts the reading frame from valine 956.
Molecular consequence: frameshift variant.
Genome position (GRCh38, 1-based): chr11:47,335,082, A deleted on the plus strand (T on the coding strand, the reverse complement: MYBPC3 is on the minus strand). VCF-style (leftmost placement, unchanged base first): chr11-47335081-CA-C. GRCh37 (hg19) VCF-style: chr11-47356632-CA-C.
Other names: short protein forms V956fs.
Identifiers: ClinVar variation 864120 (VCV000864120.8), dbSNP rs2095880935, ClinGen allele CA599057876.

ClinVar aggregate classification (germline): Pathogenic (1 of 4 stars; one submission).

Conditions:
Hypertrophic cardiomyopathy. Also called: HYPERTROPHIC MYOCARDIOPATHY. Identifiers: Orphanet 217569, MedGen C0007194, MeSH D002312, MONDO:0005045, HP:0001639.

Allele frequency attached by ClinVar (database versions not stated): gnomAD 0.00001.

Submission:

Labcorp Genetics (formerly Invitae), Labcorp
Classification: Pathogenic for Hypertrophic cardiomyopathy. Last evaluated: 2020-06-06. Review status: criteria provided, single submitter. Criteria: Invitae Variant Classification Sherloc (09022015). Collection method: clinical testing. Allele origin: germline.
Comment: This variant has not been reported in the literature in individuals with MYBPC3-related conditions. ClinVar contains an entry for this variant (Variation ID: 864120). This sequence change creates a premature translational stop signal (p.Val956Leufs*7) in the MYBPC3 gene. It is expected to result in an absent or disrupted protein product. This variant is not present in population databases (ExAC no frequency). Loss-of-function variants in MYBPC3 are known to be pathogenic (PMID: 19574547). For these reasons, this variant has been classified as Pathogenic.

Literature cited by the submitters: PubMed 19574547.